The following is an entry in ClinVar:

NM_000059.4(BRCA2):c.6669dup (p.Glu2224Ter)

Gene: BRCA2 (BRCA2 DNA repair associated; plus strand). Cytogenetic location: 13q13.1.
Variant type: Duplication.
Coding change: c.6669dup on transcript NM_000059.4 (MANE Select); coding-DNA position 6669, one base duplicated (T; older notation c.6669dupT).
Protein change: p.Glu2224Ter; replaces glutamic acid 2224 with a stop codon.
Molecular consequence: nonsense. On other transcripts: non-coding transcript variant (1), intron variant (2).
Genome position (GRCh38, 1-based): chr13:32,341,024, T duplicated; the last of 3 consecutive T bases (chr13:32,341,022-32,341,024); duplicating any one gives the same sequence. VCF-style (leftmost placement, unchanged base first): chr13-32341021-C-CT. GRCh37 (hg19) VCF-style: chr13-32915158-C-CT.
Other names: c.6669dup, p.Glu2224Ter (NM_001406719.1, NM_001406720.1, NM_001432077.1); c.1910-3534dup (NM_001406721.1); c.425-3534dup (NM_001406722.1); short protein forms E2224*.
Identifiers: ClinVar variation 4852013 (VCV004852013.1).
Genomic context (GRCh38, chr13:32,341,021, plus strand): 5'-TGTTCCTGTGAAAACAAATATAGAAGTTTGTTCTACTTACTCCAAAGATTCAGAAAACTA[C>CT]TTTGAAACAGAAGCAGTAGAAATTGCTAAAGCTTTTATGGAAGATGATGAACTGACAGAT-3'

ClinVar aggregate classification (germline): Pathogenic (1 of 4 stars; one submission).

Conditions:
Breast-ovarian cancer, familial, susceptibility to, 2 (BROVCA2). Also called: BRCA2 Hereditary Breast and Ovarian Cancer. Identifiers: Orphanet 145, MedGen C2675520, MONDO:0012933, OMIM 612555. Disease mechanism: loss of function.

Submission:

Dasa
Classification: Pathogenic for Breast-ovarian cancer, familial, susceptibility to, 2. Last evaluated: 2026-04-20. Review status: criteria provided, single submitter. Criteria: DASA Assertion Criteria. Collection method: clinical testing. Allele origin: germline.
Comment: NM_000059.4(BRCA2):c.6669dup (p.Glu2224*) introduces a premature termination codon predicted to result in loss of normal protein function. Loss-of-function is an established mechanism of disease for this gene. The variant is present at low frequency in population datasets. Based on the available data, this variant is classified as pathogenic.